The following is an entry in ClinVar:

NM_005732.4(RAD50):c.3652G>T (p.Ala1218Ser)

Genes: TH2LCRR (T helper type 2 locus control region associated RNA; minus strand), RAD50 (RAD50 double strand break repair protein; plus strand), TH2-LCR (Th2 cytokine locus control region; plus strand). Cytogenetic location: 5q31.1.
Variant type: single nucleotide variant.
Coding change: c.3652G>T on transcript NM_005732.4 (MANE Select); coding-DNA position 3652, G replaced by T.
Protein change: p.Ala1218Ser; replaces alanine 1218 with serine.
Molecular consequence: missense variant.
Genome position (GRCh38, 1-based): chr5:132,640,705, G>T. VCF-style: chr5-132640705-G-T. GRCh37 (hg19) VCF-style: chr5-131976397-G-T.
Other names: short protein forms A1218S.
Identifiers: ClinVar variation 824032 (VCV000824032.10), dbSNP rs1581023702, ClinGen allele CA360933836.
Genomic context (GRCh38, chr5:132,640,705, plus strand): 5'-GCTTCTCACATAGGGGCTTTTTTCCAGGTATTAGCCTCACTCATCATTCGCCTGGCCCTG[G>T]CTGAAACGTTCTGCCTCAACTGTGGCATCATTGCCTTGGATGAGCCAACAACAAATCTTG-3'
Protein context (NP_005723.2, residues 1208-1228): LASLIIRLAL[Ala1218Ser]ETFCLNCGII

ClinVar aggregate classification (germline): Uncertain significance. Review status: criteria provided, multiple submitters, no conflicts (2 of 4 stars). 2 submissions from 2 submitters: Uncertain significance (2). Last evaluated 2025-01-03.

Conditions:
Hereditary cancer-predisposing syndrome. Also called: Neoplastic Syndromes, Hereditary; Tumor predisposition; Hereditary neoplastic syndrome; Hereditary Cancer Syndrome. Identifiers: Orphanet 140162, MedGen C0027672, MeSH D009386, MONDO:0015356.

Allele frequency attached by ClinVar (database versions not stated): gnomAD exomes below 0.00001.
gnomAD v4.1: 1 of 1,614,210 alleles (0.000062%); highest among the groups gnomAD compares: Non-Finnish European, 0.000085%; no homozygotes.

Submissions (2):

Ambry Genetics
Classification: Uncertain significance for Hereditary cancer-predisposing syndrome. Last evaluated: 2025-01-03. Review status: criteria provided, single submitter. Criteria: Ambry Variant Classification Scheme 2023. Collection method: clinical testing. Allele origin: germline.
Comment: The p.A1218S variant (also known as c.3652G>T), located in coding exon 24 of the RAD50 gene, results from a G to T substitution at nucleotide position 3652. The alanine at codon 1218 is replaced by serine, an amino acid with similar properties. This amino acid position is highly conserved in available vertebrate species. In addition, the in silico prediction for this alteration is inconclusive. Since supporting evidence is limited at this time, the clinical significance of this alteration remains unclear.

Labcorp Genetics (formerly Invitae), Labcorp
Classification: Uncertain significance for Hereditary cancer-predisposing syndrome. Last evaluated: 2023-06-09. Review status: criteria provided, single submitter. Criteria: Invitae Variant Classification Sherloc (09022015). Collection method: clinical testing. Allele origin: germline.
Comment: This sequence change replaces alanine, which is neutral and non-polar, with serine, which is neutral and polar, at codon 1218 of the RAD50 protein (p.Ala1218Ser). This variant is not present in population databases (gnomAD no frequency). In summary, the available evidence is currently insufficient to determine the role of this variant in disease. Therefore, it has been classified as a Variant of Uncertain Significance. Advanced modeling of protein sequence and biophysical properties (such as structural, functional, and spatial information, amino acid conservation, physicochemical variation, residue mobility, and thermodynamic stability) performed at Invitae indicates that this missense variant is not expected to disrupt RAD50 protein function. ClinVar contains an entry for this variant (Variation ID: 824032). This variant has not been reported in the literature in individuals affected with RAD50-related conditions.